The following is an entry in ClinVar:

ClinVar aggregate classification (germline): Pathogenic/Likely pathogenic. Review status: criteria provided, multiple submitters, no conflicts (2 of 4 stars). 5 submissions from 5 submitters: Pathogenic (1); Likely pathogenic (3). 1 of the submissions does not count toward it. Last evaluated 2025-03-21.

Conditions:
Retinal dystrophy. Also called: Inherited retinal dystrophy. Identifiers: Orphanet 71862, MedGen C0854723, MeSH D058499, MONDO:0019118, HP:0000556.
Leber congenital amaurosis 8 (LCA8). Identifiers: Orphanet 65, MedGen C3151202, MONDO:0013453, OMIM 613835.
Retinitis pigmentosa 12 (RP12). Also called: RP WITH OR WITHOUT PRESERVED PARAARTERIOLE RETINAL PIGMENT EPITHELIUM; RETINITIS PIGMENTOSA WITH OR WITHOUT PARAARTERIOLAR PRESERVATION OF RETINAL PIGMENT EPITHELIUM; RP WITH OR WITHOUT PPRPE. Identifiers: Orphanet 791, MedGen C1838647, MONDO:0010818, OMIM 600105.

Allele frequency attached by ClinVar (database versions not stated): gnomAD exomes 0.00002 and 0.00001; ExAC 0.00002.
gnomAD v4.1: 18 of 1,614,128 alleles (0.0011%); highest among the groups gnomAD compares: East Asian, 0.013%; no homozygotes.

Submissions (5):

Revvity Omics, Revvity
Classification: Likely pathogenic. Last evaluated: 2025-03-21. Review status: criteria provided, single submitter. Criteria: ACMG Guidelines, 2015. Collection method: clinical testing. Allele origin: germline.

Baylor Genetics
Classification: Likely pathogenic for Leber congenital amaurosis 8. Last evaluated: 2024-03-21. Review status: criteria provided, single submitter. Criteria: ACMG Guidelines, 2015. Collection method: clinical testing. Allele origin: unknown.

Labcorp Genetics (formerly Invitae), Labcorp
Classification: Pathogenic for Leber congenital amaurosis 8; Retinitis pigmentosa 12. Last evaluated: 2024-02-17. Review status: criteria provided, single submitter. Criteria: Invitae Variant Classification Sherloc (09022015). Collection method: clinical testing. Allele origin: germline.
Comment: This sequence change replaces serine, which is neutral and polar, with leucine, which is neutral and non-polar, at codon 638 of the CRB1 protein (p.Ser638Leu). This variant is present in population databases (rs267598278, gnomAD 0.01%). This missense change has been observed in individual(s) with clinical features of CRB1-related conditions (PMID: 28041643, 33576794, 33633436). In at least one individual the data is consistent with being in trans (on the opposite chromosome) from a pathogenic variant. ClinVar contains an entry for this variant (Variation ID: 73455). Advanced modeling of protein sequence and biophysical properties (such as structural, functional, and spatial information, amino acid conservation, physicochemical variation, residue mobility, and thermodynamic stability) performed at Invitae indicates that this missense variant is expected to disrupt CRB1 protein function with a positive predictive value of 80%. Algorithms developed to predict the effect of sequence changes on RNA splicing suggest that this variant may create or strengthen a splice site. For these reasons, this variant has been classified as Pathogenic.

Dept Of Ophthalmology, Nagoya University
Classification: Likely pathogenic for Retinal dystrophy. Last evaluated: 2023-10-01. Review status: criteria provided, single submitter. Criteria: Submitter's publication. Collection method: research. Allele origin: germline. Affected: yes.

NIHR Bioresource Rare Diseases, University of Cambridge
Classification: Likely pathogenic for Retinal dystrophy. Last evaluated: 2015-01-01. Review status: no assertion criteria provided. Collection method: research. Allele origin: unknown. Affected: yes. Observed: 1 variant allele. Not counted in ClinVar's aggregate classification.

Literature cited by the submitters: PubMed 28041643 (cited by Labcorp Genetics (formerly Invitae), Labcorp and NIHR Bioresource Rare Diseases, University of Cambridge); PubMed 33576794 (cited by Labcorp Genetics (formerly Invitae), Labcorp); PubMed 33633436 (cited by Labcorp Genetics (formerly Invitae), Labcorp).

NM_201253.3(CRB1):c.1913C>T (p.Ser638Leu)

Gene: CRB1 (crumbs cell polarity complex component 1; plus strand). Cytogenetic location: 1q31.3.
Variant type: single nucleotide variant.
Coding change: c.1913C>T on transcript NM_201253.3 (MANE Select); coding-DNA position 1913, C replaced by T.
Protein change: p.Ser638Leu; replaces serine 638 with leucine.
Molecular consequence: missense variant. On other transcripts: non-coding transcript variant (1).
Genome position (GRCh38, 1-based): chr1:197,421,741, C>T. VCF-style: chr1-197421741-C-T. GRCh37 (hg19) VCF-style: chr1-197390871-C-T.
Other names: c.1577C>T, p.Ser526Leu (NM_001193640.2); c.1706C>T, p.Ser569Leu (NM_001257965.2); c.1913C>T, p.Ser638Leu (NM_001257966.2); short protein forms S638L, S526L, S569L.
Identifiers: ClinVar variation 73455 (VCV000073455.11), dbSNP rs267598278, ClinGen allele CA1311998.